The following is an entry in ClinVar:

ClinVar aggregate classification (germline): Uncertain significance. Review status: criteria provided, multiple submitters, no conflicts (2 of 4 stars). 3 submissions from 3 submitters: Uncertain significance (3). Last evaluated 2026-06-05.

Conditions:
CEP164-related disorder. Also called: CEP164-related condition.
Nephronophthisis 15 (NPHP15). Identifiers: Orphanet 3156, MedGen C3541853, MONDO:0013917, OMIM 614845.

Submissions (3):

PreventionGenetics, part of Exact Sciences
Classification: Uncertain significance for CEP164-related condition. Last evaluated: 2026-06-05. Review status: criteria provided, single submitter. Criteria: ACMG Guidelines, 2015. Collection method: clinical testing. Allele origin: germline.
Comment: The CEP164 c.3772_3774delTCC variant is predicted to result in an in-frame deletion (p.Ser1258del). To our knowledge, this variant has not been reported in the literature. This variant is reported in 0.070% of alleles in individuals of Latino descent in gnomAD, which may be too common to be a primary cause of disease. Although we suspect that this variant may be benign, at this time, the clinical significance of this variant is uncertain due to the absence of conclusive functional and genetic evidence.

Labcorp Genetics (formerly Invitae), Labcorp
Classification: Uncertain significance for Nephronophthisis 15. Last evaluated: 2022-08-21. Review status: criteria provided, single submitter. Criteria: Invitae Variant Classification Sherloc (09022015). Collection method: clinical testing. Allele origin: germline.
Comment: This variant, c.3772_3774del, results in the deletion of 1 amino acid(s) of the CEP164 protein (p.Ser1258del), but otherwise preserves the integrity of the reading frame. This variant is present in population databases (rs752854208, gnomAD 0.07%). This variant has not been reported in the literature in individuals affected with CEP164-related conditions. ClinVar contains an entry for this variant (Variation ID: 1063479). Experimental studies and prediction algorithms are not available or were not evaluated, and the functional significance of this variant is currently unknown. In summary, the available evidence is currently insufficient to determine the role of this variant in disease. Therefore, it has been classified as a Variant of Uncertain Significance.

Fulgent Genetics
Classification: Uncertain significance for Nephronophthisis 15. Last evaluated: 2022-05-05. Review status: criteria provided, single submitter. Criteria: ACMG Guidelines, 2015. Collection method: clinical testing. Allele origin: unknown.

NM_014956.5(CEP164):c.3772_3774del (p.Ser1258del)

Gene: CEP164 (centrosomal protein 164; plus strand). Cytogenetic location: 11q23.3.
Variant type: Deletion.
Coding change: c.3772_3774del on transcript NM_014956.5 (MANE Select); coding-DNA positions 3772 to 3774, 3 bases deleted (TCC; older notation c.3772_3774delTCC).
Protein change: p.Ser1258del; deletes serine 1258.
Molecular consequence: inframe deletion.
Genome position (GRCh38, 1-based): chr11:117,409,641-117,409,643, TCC deleted; deleting any 3 consecutive bases within chr11:117,409,639-117,409,643 gives the same sequence; the c. name uses the placement nearest the transcript's 3' end. VCF-style (leftmost placement, unchanged base first): chr11-117409638-ACCT-A. GRCh37 (hg19) VCF-style: chr11-117280354-ACCT-A.
Other names: c.3772_3774delTCC (NM_014956.4); c.3757_3759del, p.Ser1253del (NM_001271933.2); short protein forms S1253del, S1258del.
Identifiers: ClinVar variation 1063479 (VCV001063479.6), dbSNP rs752854208, ClinGen allele CA6295577.
Genomic context (GRCh38, chr11:117,409,638, plus strand): 5'-AGCTTGAGTCCCTTCCCACCATCCACCTCTTTTCTTTCAGTCGACTCAACCCCGAGTCTC[ACCT>A]CCCGCAAGATCCACGGGCTTAGCCACTCCCTCCGGCAGATCAGCAGCCAGCTGAGCAGTG-3'